The following is an entry in ClinVar:

ClinVar aggregate classification (germline): Conflicting classifications of pathogenicity. Review status: criteria provided, conflicting classifications (1 of 4 stars). 2 submissions from 2 submitters: Uncertain significance (1); Likely benign (1). Last evaluated 2024-04-30.

Conditions:
Inborn genetic diseases. Identifiers: MedGen C0950123, MeSH D030342.

Allele frequency attached by ClinVar (database versions not stated): gnomAD 0.00010; TOPMed 0.00016; 1000 Genomes Project 0.00020; 1000 Genomes Project 30x 0.00031.

Submissions (2):

Labcorp Genetics (formerly Invitae), Labcorp
Classification: Uncertain significance. Last evaluated: 2024-04-30. Review status: criteria provided, single submitter. Criteria: Invitae Variant Classification Sherloc (09022015). Collection method: clinical testing. Allele origin: germline.
Comment: This sequence change replaces alanine, which is neutral and non-polar, with valine, which is neutral and non-polar, at codon 45 of the VSX1 protein (p.Ala45Val). This variant is present in population databases (rs530039573, gnomAD 0.03%). This variant has not been reported in the literature in individuals affected with VSX1-related conditions. Advanced modeling of protein sequence and biophysical properties (such as structural, functional, and spatial information, amino acid conservation, physicochemical variation, residue mobility, and thermodynamic stability) performed at Invitae indicates that this missense variant is not expected to disrupt VSX1 protein function with a negative predictive value of 80%. In summary, the available evidence is currently insufficient to determine the role of this variant in disease. Therefore, it has been classified as a Variant of Uncertain Significance.

Ambry Genetics
Classification: Likely benign for Inborn genetic diseases. Last evaluated: 2024-01-19. Review status: criteria provided, single submitter. Criteria: Ambry Variant Classification Scheme 2023. Collection method: clinical testing. Allele origin: germline.

NM_014588.6(VSX1):c.134C>T (p.Ala45Val)

Gene: VSX1 (visual system homeobox 1; minus strand). Cytogenetic location: 20p11.21.
Variant type: single nucleotide variant.
Coding change: c.134C>T on transcript NM_014588.6 (MANE Select); coding-DNA position 134, C replaced by T.
Protein change: p.Ala45Val; replaces alanine 45 with valine.
Molecular consequence: missense variant. On other transcripts: non-coding transcript variant (2).
Genome position (GRCh38, 1-based): chr20:25,081,963, G>A on the plus strand (C>T on the coding strand, the complement: VSX1 is on the minus strand). VCF-style: chr20-25081963-G-A. GRCh37 (hg19) VCF-style: chr20-25062599-G-A.
Other names: c.134C>T, p.Ala45Val (NM_001256271.2, NM_001256272.2, NM_199425.3); short protein forms A45V.
Identifiers: ClinVar variation 3189181 (VCV003189181.3), dbSNP rs530039573, ClinGen allele CA313664516.